The following is an entry in ClinVar:

ClinVar aggregate classification (germline): Uncertain significance (1 of 4 stars; one submission).

Conditions:
Kufor-Rakeb syndrome (KRS). Also called: PARKINSON DISEASE 9, AUTOSOMAL RECESSIVE, JUVENILE-ONSET. Identifiers: Orphanet 306674, Orphanet 314632, MedGen C1847640, MONDO:0011706, OMIM 606693.
Autosomal recessive spastic paraplegia type 78. Identifiers: Orphanet 513436, MedGen C5567893, MONDO:0014975, OMIM 617225.

Allele frequency attached by ClinVar (database versions not stated): ExAC 0.00001; gnomAD exomes 0.00002; gnomAD 0.00003; TOPMed 0.00005; ESP Exome Variant Server 0.00008.

Submission:

Labcorp Genetics (formerly Invitae), Labcorp
Classification: Uncertain significance for Kufor-Rakeb syndrome; Autosomal recessive spastic paraplegia type 78. Last evaluated: 2018-05-01. Review status: criteria provided, single submitter. Criteria: Invitae Variant Classification Sherloc (09022015). Collection method: clinical testing. Allele origin: germline.
Comment: This sequence change replaces arginine with cysteine at codon 192 of the ATP13A2 protein (p.Arg192Cys). The arginine residue is weakly conserved and there is a large physicochemical difference between arginine and cysteine. This variant is present in population databases (rs372857244, ExAC 0.002%). This variant has not been reported in the literature in individuals with ATP13A2-related disease. Algorithms developed to predict the effect of missense changes on protein structure and function do not agree on the potential impact of this missense change (SIFT: "Tolerated"; PolyPhen-2: "Possibly Damaging"; Align-GVGD: "Class C15"). In summary, the available evidence is currently insufficient to determine the role of this variant in disease. Therefore, it has been classified as a Variant of Uncertain Significance.

NM_022089.4(ATP13A2):c.574C>T (p.Arg192Cys)

Gene: ATP13A2 (ATPase cation transporting 13A2; minus strand). Cytogenetic location: 1p36.13.
Variant type: single nucleotide variant.
Coding change: c.574C>T on transcript NM_022089.4 (MANE Select); coding-DNA position 574, C replaced by T.
Protein change: p.Arg192Cys; replaces arginine 192 with cysteine.
Molecular consequence: missense variant.
Genome position (GRCh38, 1-based): chr1:17,002,357, G>A on the plus strand (C>T on the coding strand, the complement: ATP13A2 is on the minus strand). VCF-style: chr1-17002357-G-A. GRCh37 (hg19) VCF-style: chr1-17328852-G-A.
Other names: c.559C>T, p.Arg187Cys (NM_001141973.3, NM_001141974.3); short protein forms R192C, R187C.
Identifiers: ClinVar variation 579676 (VCV000579676.4), dbSNP rs372857244, ClinGen allele CA637575.